The following is an entry in ClinVar:

NM_152564.5(VPS13B):c.10679T>C (p.Leu3560Ser)

Gene: VPS13B (vacuolar protein sorting 13 homolog B; plus strand). Cytogenetic location: 8q22.2.
Variant type: single nucleotide variant.
Coding change: c.10679T>C on transcript NM_152564.5 (MANE Select); coding-DNA position 10679, T replaced by C.
Protein change: p.Leu3560Ser; replaces leucine 3560 with serine.
Molecular consequence: missense variant.
Genome position (GRCh38, 1-based): chr8:99,854,068, T>C. VCF-style: chr8-99854068-T-C. GRCh37 (hg19) VCF-style: chr8-100866296-T-C.
Other names: c.10754T>C, p.Leu3585Ser (NM_017890.5); short protein forms L3585S, L3560S.
Identifiers: ClinVar variation 4977936 (VCV004977936.1).
Genomic context (GRCh38, chr8:99,854,068, plus strand): 5'-AACAGGTGTTGCCCATGCAGGTCACACAGCACGCCAGGGCCTTGGTGAATCCTGTGAAGT[T>C]ACGGAAACTGGTGATCCAGCCAGTAAATTTGCTCGTCAGCATCCACGCTTCCCTCAAGCT-3'
Protein context (NP_689777.3, residues 3550-3570): HARALVNPVK[Leu3560Ser]RKLVIQPVNL

ClinVar aggregate classification (germline): Uncertain significance (1 of 4 stars; one submission).

Conditions:
VPS13B-related disorder. Also called: VPS13B-related condition.

Submission:

PreventionGenetics, part of Exact Sciences
Classification: Uncertain significance for VPS13B-related condition. Last evaluated: 2025-05-14. Review status: criteria provided, single submitter. Criteria: ACMG Guidelines, 2015. Collection method: clinical testing. Allele origin: germline.
Comment: The VPS13B c.10679T>C variant is predicted to result in the amino acid substitution p.Leu3560Ser. To our knowledge, this variant has not been reported in the literature or in a large population database (gnomAD), indicating this variant is rare. At this time, the clinical significance of this variant is uncertain due to the absence of conclusive functional and genetic evidence.